The following is an entry in ClinVar:

ClinVar aggregate classification (germline): Likely benign. Review status: criteria provided, single submitter (1 of 4 stars). 2 submissions from 2 submitters: Likely benign (1). 1 of the submissions does not count toward it. Last evaluated 2025-10-19.

Conditions:
Cockayne syndrome. Identifiers: Orphanet 191, MedGen C0009207, MONDO:0016006.
Fanconi anemia complementation group Q. Identifiers: Orphanet 84, MedGen C3808988, MONDO:0014108, OMIM 615272.
Xeroderma pigmentosum, group F (XPF). Also called: XERODERMA PIGMENTOSUM, COMPLEMENTATION GROUP F; XERODERMA PIGMENTOSUM VI; XP, GROUP F; ERCC4-Related Xeroderma Pigmentosum; XERODERMA PIGMENTOSUM, TYPE F; Xeroderma pigmentosum, type 6. Identifiers: MedGen C0268140, MONDO:0010215, OMIM 278760.
ERCC4-related disorder. Also called: ERCC4-related condition.

Allele frequency attached by ClinVar (database versions not stated): ExAC 0.00002; gnomAD exomes 0.00002; TOPMed 0.00006; ESP Exome Variant Server 0.00008; gnomAD 0.00011.
gnomAD v4.1: 25 of 1,611,346 alleles (0.0016%); highest among the groups gnomAD compares: African/African-American, 0.031%; no homozygotes.

Submissions (2):

Labcorp Genetics (formerly Invitae), Labcorp
Classification: Likely benign for Fanconi anemia complementation group Q; Xeroderma pigmentosum, group F; Cockayne syndrome. Last evaluated: 2025-10-19. Review status: criteria provided, single submitter. Criteria: Invitae Variant Classification Sherloc (09022015). Collection method: clinical testing. Allele origin: germline.

PreventionGenetics, part of Exact Sciences
Classification: Likely benign for ERCC4-related condition. Last evaluated: 2021-06-09. Review status: no assertion criteria provided. Collection method: clinical testing. Allele origin: germline. Not counted in ClinVar's aggregate classification.
Comment: This variant is classified as likely benign based on ACMG/AMP sequence variant interpretation guidelines (Richards et al. 2015 PMID: 25741868, with internal and published modifications).

NM_005236.3(ERCC4):c.389-9C>A

Gene: ERCC4 (ERCC excision repair 4, endonuclease catalytic subunit; plus strand). Cytogenetic location: 16p13.12.
Variant type: single nucleotide variant.
Coding change: c.389-9C>A on transcript NM_005236.3 (MANE Select); 9 bases into the intron before coding-DNA position 389, C replaced by A.
Molecular consequence: intron variant.
Genome position (GRCh38, 1-based): chr16:13,926,552, C>A. VCF-style: chr16-13926552-C-A. GRCh37 (hg19) VCF-style: chr16-14020409-C-A.
Identifiers: ClinVar variation 838117 (VCV000838117.11), dbSNP rs369626998, ClinGen allele CA7910185.